The following is an entry in ClinVar:

NM_058216.3(RAD51C):c.146-7C>G

Gene: RAD51C (RAD51 paralog C; plus strand). Cytogenetic location: 17q22.
Variant type: single nucleotide variant.
Coding change: c.146-7C>G on transcript NM_058216.3 (MANE Select); 7 bases into the intron before coding-DNA position 146, C replaced by G.
Molecular consequence: intron variant.
Genome position (GRCh38, 1-based): chr17:58,694,924, C>G. VCF-style: chr17-58694924-C-G. GRCh37 (hg19) VCF-style: chr17-56772285-C-G.
Other names: c.146-7C>G (NM_058216.1, NM_002876.4).
Identifiers: ClinVar variation 939186 (VCV000939186.13), dbSNP rs1428658524, ClinGen allele CA626733756.

ClinVar aggregate classification (germline): Uncertain significance. Review status: criteria provided, multiple submitters, no conflicts (2 of 4 stars). 5 submissions from 5 submitters: Uncertain significance (5). Last evaluated 2025-03-11.

Conditions:
Breast-ovarian cancer, familial, susceptibility to, 3. Also called: RAD51C-Related Breast/Ovarian Cancer. Identifiers: Orphanet 145, MedGen C3150659, MONDO:0013253, OMIM 613399.
Fanconi anemia complementation group O. Also called: RAD51C-Related Fanconi Anemia. Identifiers: Orphanet 84, MedGen C3150653, MONDO:0013248, OMIM 613390.
Hereditary cancer-predisposing syndrome. Also called: Tumor predisposition; Hereditary neoplastic syndrome; Neoplastic Syndromes, Hereditary; Hereditary Cancer Syndrome. Identifiers: Orphanet 140162, MedGen C0027672, MeSH D009386, MONDO:0015356.

Allele frequency attached by ClinVar (database versions not stated): gnomAD exomes below 0.00001; gnomAD 0.00001.
gnomAD v4.1: 3 of 1,607,512 alleles (0.00019%); highest among the groups gnomAD compares: African/African-American, 0.004%; no homozygotes.

Submissions (5):

Labcorp Genetics (formerly Invitae), Labcorp
Classification: Uncertain significance for Fanconi anemia complementation group O. Last evaluated: 2025-03-11. Review status: criteria provided, single submitter. Criteria: Invitae Variant Classification Sherloc (09022015). Collection method: clinical testing. Allele origin: germline.
Comment: This sequence change falls in intron 1 of the RAD51C gene. It does not directly change the encoded amino acid sequence of the RAD51C protein. This variant is present in population databases (no rsID available, gnomAD 0.008%). This variant has not been reported in the literature in individuals affected with RAD51C-related conditions. ClinVar contains an entry for this variant (Variation ID: 939186). Algorithms developed to predict the effect of sequence changes on RNA splicing suggest that this variant may disrupt the consensus splice site. In summary, the available evidence is currently insufficient to determine the role of this variant in disease. Therefore, it has been classified as a Variant of Uncertain Significance.

Fulgent Genetics
Classification: Uncertain significance for Fanconi anemia complementation group O; Breast-ovarian cancer, familial, susceptibility to, 3. Last evaluated: 2024-05-02. Review status: criteria provided, single submitter. Criteria: ACMG Guidelines, 2015. Collection method: clinical testing. Allele origin: germline.

Baylor Genetics
Classification: Uncertain significance for Breast-ovarian cancer, familial, susceptibility to, 3. Last evaluated: 2024-02-21. Review status: criteria provided, single submitter. Criteria: ACMG Guidelines, 2015. Collection method: clinical testing. Allele origin: unknown.

GeneDx
Classification: Uncertain significance. Last evaluated: 2023-07-13. Review status: criteria provided, single submitter. Criteria: GeneDx Variant Classification Process June 2021. Collection method: clinical testing. Allele origin: germline. Affected: yes.
Comment: Not observed at significant frequency in large population cohorts (gnomAD); In silico analysis supports a deleterious effect on splicing; Has not been previously published as pathogenic or benign to our knowledge

Ambry Genetics
Classification: Uncertain significance for Hereditary cancer-predisposing syndrome. Last evaluated: 2022-11-07. Review status: criteria provided, single submitter. Criteria: Ambry Variant Classification Scheme 2023. Collection method: clinical testing. Allele origin: germline.
Comment: The c.146-7C>G intronic variant results from a C to G substitution 7 nucleotides upstream from coding exon 2 in the RAD51C gene. This nucleotide position is not well conserved in available vertebrate species. In silico splice site analysis predicts that this alteration will weaken the native splice acceptor site and will result in the creation or strengthening of a novel splice acceptor site; however, direct evidence is insufficient at this time (Ambry internal data). Since supporting evidence is limited at this time, the clinical significance of this alteration remains unclear.